The following is an entry in ClinVar:

NM_002016.2(FLG):c.2891G>C (p.Gly964Ala)

Genes: CCDST (cervical cancer associated DHX9 suppressive transcript; plus strand), FLG (filaggrin; minus strand). Cytogenetic location: 1q21.3.
Variant type: single nucleotide variant.
Coding change: c.2891G>C on transcript NM_002016.2 (MANE Select); coding-DNA position 2891, G replaced by C.
Protein change: p.Gly964Ala; replaces glycine 964 with alanine.
Molecular consequence: missense variant.
Genome position (GRCh38, 1-based): chr1:152,311,995, C>G on the plus strand (G>C on the coding strand, the complement: FLG is on the minus strand). VCF-style: chr1-152311995-C-G. GRCh37 (hg19) VCF-style: chr1-152284471-C-G.
Other names: short protein forms G964A.
Identifiers: ClinVar variation 2498417 (VCV002498417.28), dbSNP rs756428259, ClinGen allele CA1106941.

ClinVar aggregate classification (germline): Likely benign (1 of 4 stars; one submission).

Submission:

CeGaT Center for Human Genetics Tuebingen
Classification: Likely benign. Last evaluated: 2023-01-01. Review status: criteria provided, single submitter. Criteria: CeGaT Center For Human Genetics Tuebingen Variant Classification Criteria Version 2. Collection method: clinical testing. Allele origin: germline. Affected: yes. Observed: 1 variant allele.
Comment: FLG: BP4